The following is an entry in ClinVar:

NM_000135.4(FANCA):c.311G>A (p.Arg104Lys)

Gene: FANCA (FA complementation group A; minus strand). Cytogenetic location: 16q24.3.
Variant type: single nucleotide variant.
Coding change: c.311G>A on transcript NM_000135.4 (MANE Select); coding-DNA position 311, G replaced by A.
Protein change: p.Arg104Lys; replaces arginine 104 with lysine.
Molecular consequence: missense variant.
Genome position (GRCh38, 1-based): chr16:89,811,044, C>T on the plus strand (G>A on the coding strand, the complement: FANCA is on the minus strand). VCF-style: chr16-89811044-C-T. GRCh37 (hg19) VCF-style: chr16-89877452-C-T.
Other names: c.311G>A, p.Arg104Lys (NM_001018112.3, NM_001286167.3, NM_001351830.2); c.311G>A (NM_000135.2); short protein forms R104K.
Identifiers: ClinVar variation 1398482 (VCV001398482.6), dbSNP rs1057245679, ClinGen allele CA286608274.

ClinVar aggregate classification (germline): Uncertain significance. Review status: criteria provided, multiple submitters, no conflicts (2 of 4 stars). 2 submissions from 2 submitters: Uncertain significance (2). Last evaluated 2026-07-20.

Conditions:
Inborn genetic diseases. Identifiers: MedGen C0950123, MeSH D030342.
Fanconi anemia (FA). Also called: Fanconi's anemia. Identifiers: Orphanet 84, MedGen C0015625, MeSH D005199, MONDO:0019391.

Allele frequency attached by ClinVar (database versions not stated): TOPMed 0.00001.

Submissions (2):

Ambry Genetics
Classification: Uncertain significance for Inborn genetic diseases. Last evaluated: 2026-07-20. Review status: criteria provided, single submitter. Criteria: Ambry Variant Classification Scheme 2023. Collection method: clinical testing. Allele origin: germline.
Comment: The p.R104K variant (also known as c.311G>A), located in coding exon 4 of the FANCA gene, results from a G to A substitution at nucleotide position 311. The arginine at codon 104 is replaced by lysine, an amino acid with highly similar properties. This amino acid position is conserved. In addition, this alteration is predicted to be tolerated by in silico analysis. Based on the available evidence, the clinical significance of this variant remains unclear.

Labcorp Genetics (formerly Invitae), Labcorp
Classification: Uncertain significance for Fanconi anemia. Last evaluated: 2022-04-28. Review status: criteria provided, single submitter. Criteria: Invitae Variant Classification Sherloc (09022015). Collection method: clinical testing. Allele origin: germline.
Comment: This sequence change replaces arginine, which is basic and polar, with lysine, which is basic and polar, at codon 104 of the FANCA protein (p.Arg104Lys). This variant is not present in population databases (gnomAD no frequency). This variant has not been reported in the literature in individuals affected with FANCA-related conditions. Advanced modeling of protein sequence and biophysical properties (such as structural, functional, and spatial information, amino acid conservation, physicochemical variation, residue mobility, and thermodynamic stability) performed at Invitae indicates that this missense variant is not expected to disrupt FANCA protein function. In summary, the available evidence is currently insufficient to determine the role of this variant in disease. Therefore, it has been classified as a Variant of Uncertain Significance.